The following is an entry in ClinVar:

ClinVar aggregate classification (germline): Uncertain significance (1 of 4 stars; one submission).

Submission:

Labcorp Genetics (formerly Invitae), Labcorp
Classification: Uncertain significance. Last evaluated: 2024-04-05. Review status: criteria provided, single submitter. Criteria: Invitae Variant Classification Sherloc (09022015). Collection method: clinical testing. Allele origin: germline.
Comment: This sequence change replaces leucine, which is neutral and non-polar, with valine, which is neutral and non-polar, at codon 5 of the GNPTG protein (p.Leu5Val). This variant is not present in population databases (gnomAD no frequency). This variant has not been reported in the literature in individuals affected with GNPTG-related conditions. ClinVar contains an entry for this variant (Variation ID: 2007711). Algorithms developed to predict the effect of missense changes on protein structure and function output the following: SIFT: "Not Available"; PolyPhen-2: "Not Available"; Align-GVGD: "Not Available". The valine amino acid residue is found in multiple mammalian species, which suggests that this missense change does not adversely affect protein function. In summary, the available evidence is currently insufficient to determine the role of this variant in disease. Therefore, it has been classified as a Variant of Uncertain Significance.

NM_032520.5(GNPTG):c.13C>G (p.Leu5Val)

Genes: GNPTG (N-acetylglucosamine-1-phosphate transferase subunit gamma; plus strand), LOC130058158 (ATAC-STARR-seq lymphoblastoid silent region 6972; plus strand). Cytogenetic location: 16p13.3.
Variant type: single nucleotide variant.
Coding change: c.13C>G on transcript NM_032520.5 (MANE Select); coding-DNA position 13, C replaced by G.
Protein change: p.Leu5Val; replaces leucine 5 with valine.
Molecular consequence: missense variant.
Genome position (GRCh38, 1-based): chr16:1,351,978, C>G. VCF-style: chr16-1351978-C-G. GRCh37 (hg19) VCF-style: chr16-1401979-C-G.
Other names: short protein forms L5V.
Identifiers: ClinVar variation 2007711 (VCV002007711.4), dbSNP rs543660760, ClinGen allele CA394183795.